The following is an entry in ClinVar:

ClinVar aggregate classification (germline): Uncertain significance (1 of 4 stars; one submission).

Allele frequency attached by ClinVar (database versions not stated): TOPMed below 0.00001; gnomAD 0.00001.
gnomAD v4.1: 2 of 1,613,630 alleles (0.00012%); highest among the groups gnomAD compares: African/African-American, 0.0027%; no homozygotes.

Submission:

Labcorp Genetics (formerly Invitae), Labcorp
Classification: Uncertain significance. Last evaluated: 2022-07-19. Review status: criteria provided, single submitter. Criteria: Invitae Variant Classification Sherloc (09022015). Collection method: clinical testing. Allele origin: germline.
Comment: Algorithms developed to predict the effect of missense changes on protein structure and function are either unavailable or do not agree on the potential impact of this missense change (SIFT: "Deleterious"; PolyPhen-2: "Benign"; Align-GVGD: "Class C0"). ClinVar contains an entry for this variant (Variation ID: 1490597). This variant has not been reported in the literature in individuals affected with STAT4-related conditions. This variant is not present in population databases (gnomAD no frequency). This sequence change replaces glutamic acid, which is acidic and polar, with alanine, which is neutral and non-polar, at codon 738 of the STAT4 protein (p.Glu738Ala). In summary, the available evidence is currently insufficient to determine the role of this variant in disease. Therefore, it has been classified as a Variant of Uncertain Significance.

NM_003151.4(STAT4):c.2213A>C (p.Glu738Ala)

Genes: STAT4 (signal transducer and activator of transcription 4; minus strand), STAT4-AS1 (STAT4 antisense RNA 1; plus strand). Cytogenetic location: 2q32.2.
Variant type: single nucleotide variant.
Coding change: c.2213A>C on transcript NM_003151.4 (MANE Select); coding-DNA position 2213, A replaced by C.
Protein change: p.Glu738Ala; replaces glutamic acid 738 with alanine.
Molecular consequence: missense variant. On other transcripts: non-coding transcript variant (1).
Genome position (GRCh38, 1-based): chr2:191,030,979, T>G on the plus strand (A>C on the coding strand, the complement: STAT4 is on the minus strand). VCF-style: chr2-191030979-T-G. GRCh37 (hg19) VCF-style: chr2-191895705-T-G.
Other names: c.2213A>C, p.Glu738Ala (NM_001243835.2); short protein forms E738A.
Identifiers: ClinVar variation 1490597 (VCV001490597.8), dbSNP rs1450518281, ClinGen allele CA349906112.